The following is an entry in ClinVar:

ClinVar aggregate classification (germline): Pathogenic. Review status: criteria provided, multiple submitters, no conflicts (2 of 4 stars). 2 submissions from 2 submitters: Pathogenic (2). Last evaluated 2026-04-27.

Conditions:
Arterial calcification, generalized, of infancy, 1 (GACI1). Also called: Idiopathic Infantile Arterial Calcification. Identifiers: Orphanet 51608, MedGen C4551985, MONDO:0008817, OMIM 208000.

Allele frequency attached by ClinVar (database versions not stated): ExAC 0.00001; TOPMed 0.00001.
gnomAD v4.1: 1 of 1,603,044 alleles (0.000062%); highest among the groups gnomAD compares: Non-Finnish European, 0.000085%; no homozygotes.

Submissions (2):

Dasa
Classification: Pathogenic. Last evaluated: 2026-04-27. Review status: criteria provided, single submitter. Criteria: DASA Assertion Criteria. Collection method: clinical testing. Allele origin: germline.
Comment: NM_006208.3(ENPP1):c.2230+1G>A introduces a premature termination codon predicted to result in loss of normal protein function. Loss-of-function is an established mechanism of disease for this gene. Segregation evidence has been reported in affected families. This variant has been recurrently observed in individuals with related phenotype (PMID: 26547235; PMID: 25741938). The variant is present at low frequency in population datasets. Based on the available data, this variant is classified as pathogenic.

Genomic Medicine Center of Excellence, King Faisal Specialist Hospital and Research Centre
Classification: Pathogenic for Arterial calcification, generalized, of infancy, 1. Last evaluated: 2024-03-25. Review status: criteria provided, single submitter. Criteria: ACMG Guidelines, 2015. Collection method: research. Allele origin: germline.

Literature cited by the submitters: PubMed 26547235 (cited by Dasa); PubMed 25741938 (cited by Dasa).

NM_006208.3(ENPP1):c.2230+1G>A

Gene: ENPP1 (ectonucleotide pyrophosphatase/phosphodiesterase 1; plus strand). Cytogenetic location: 6q23.2.
Variant type: single nucleotide variant.
Coding change: c.2230+1G>A on transcript NM_006208.3 (MANE Select); the canonical splice donor site of the intron after coding-DNA position 2230, G replaced by A.
Molecular consequence: splice donor variant.
Genome position (GRCh38, 1-based): chr6:131,882,475, G>A. VCF-style: chr6-131882475-G-A. GRCh37 (hg19) VCF-style: chr6-132203615-G-A.
Identifiers: ClinVar variation 3064553 (VCV003064553.3), dbSNP rs770775549, ClinGen allele CA4002452.